The following is an entry in ClinVar:

ClinVar aggregate classification (germline): Pathogenic (1 of 4 stars; one submission).

Conditions:
Hypohidrotic X-linked ectodermal dysplasia (XHED). Also called: Christ-Siemans-Touraine syndrome; ECTODERMAL DYSPLASIA, HYPOHIDROTIC, 1; CST SYNDROME; ECTODERMAL DYSPLASIA 1, HYPOHIDROTIC, X-LINKED; Ectodermal Dysplasia 1, Anhidrotic; Anhidrotic ectodermal dysplasia X-linked. Identifiers: Orphanet 181, Orphanet 238468, MedGen C0162359, MONDO:0010585, OMIM 305100.

Submission:

Labcorp Genetics (formerly Invitae), Labcorp
Classification: Pathogenic for Hypohidrotic X-linked ectodermal dysplasia. Last evaluated: 2023-04-29. Review status: criteria provided, single submitter. Criteria: Invitae Variant Classification Sherloc (09022015). Collection method: clinical testing. Allele origin: germline.
Comment: This variant is not present in population databases (gnomAD no frequency). For these reasons, this variant has been classified as Pathogenic. Advanced modeling of protein sequence and biophysical properties (such as structural, functional, and spatial information, amino acid conservation, physicochemical variation, residue mobility, and thermodynamic stability) performed at Invitae indicates that this missense variant is expected to disrupt EDA protein function. ClinVar contains an entry for this variant (Variation ID: 1918319). This missense change has been observed in individual(s) with hypohidrotic/anhidrotic ectodermal dysplasia (PMID: 9736768, 20979233, 21357618, 22032522, 23553579, 31796081). This sequence change replaces glycine, which is neutral and non-polar, with arginine, which is basic and polar, at codon 291 of the EDA protein (p.Gly291Arg).

Literature cited by the submitters: PubMed 9736768; PubMed 20979233; PubMed 21357618; PubMed 22032522; PubMed 23553579; PubMed 31796081.

NM_001399.5(EDA):c.871G>C (p.Gly291Arg)

Gene: EDA (ectodysplasin A; plus strand). Cytogenetic location: Xq13.1.
Variant type: single nucleotide variant.
Coding change: c.871G>C on transcript NM_001399.5 (MANE Select); coding-DNA position 871, G replaced by C.
Protein change: p.Gly291Arg; replaces glycine 291 with arginine.
Molecular consequence: missense variant.
Genome position (GRCh38, 1-based): chrX:70,033,475, G>C. VCF-style: chrX-70033475-G-C. GRCh37 (hg19) VCF-style: chrX-69253325-G-C.
Other names: c.871G>C, p.Gly291Arg (NM_001005609.2); c.862G>C, p.Gly288Arg (NM_001005612.3); short protein forms G288R, G291R.
Identifiers: ClinVar variation 1918319 (VCV001918319.5), dbSNP rs397516677, ClinGen allele CA413448923.
Genomic context (GRCh38, chrX:70,033,475, plus strand): 5'-CTCAATGACTGGTCTCGCATCACTATGAACCCCAAGGTGTTTAAGCTACATCCCCGCAGC[G>C]GGGAGCTGGAGGTACTGGTGGACGGCACCTACTTCATCTATAGTCAGGTAGAAGTGAGTA-3'
Protein context (NP_001390.1, residues 281-301): PKVFKLHPRS[Gly291Arg]ELEVLVDGTY